The following is an entry in ClinVar:

ClinVar aggregate classification (germline): Likely benign (1 of 4 stars; one submission).

Submission:

Women's Health and Genetics/Laboratory Corporation of America, LabCorp
Classification: Likely benign. Last evaluated: 2023-12-22. Review status: criteria provided, single submitter. Criteria: LabCorp Variant Classification Summary - May 2015. Collection method: clinical testing. Allele origin: germline.
Comment: Variant summary: BPTF c.2859G>A alters a conserved nucleotide resulting in a synonymous change. Consensus agreement among computation tools predict no significant impact on normal splicing. However, these predictions have yet to be confirmed by functional studies. The variant was absent in 251416 control chromosomes. The available data on variant occurrences in the general population are insufficient to allow any conclusion about variant significance. To our knowledge, no occurrence of c.2859G>A in individuals affected with Neurodevelopmental Disorder With Dysmorphic Facies And Distal Limb Anomalies and no experimental evidence demonstrating its impact on protein function have been reported. No submitters have cited clinical-significance assessments for this variant to ClinVar after 2014. Based on the evidence outlined above, the variant was classified as likely benign.

NM_182641.4(BPTF):c.2481G>A (p.Leu827=)

Gene: BPTF (bromodomain PHD finger transcription factor; plus strand). Cytogenetic location: 17q24.2.
Variant type: single nucleotide variant.
Coding change: c.2481G>A on transcript NM_182641.4 (MANE Select); coding-DNA position 2481, G replaced by A.
Protein change: p.Leu827=; no amino-acid change (leucine 827 retained).
Molecular consequence: synonymous variant.
Genome position (GRCh38, 1-based): chr17:67,894,103, G>A. VCF-style: chr17-67894103-G-A. GRCh37 (hg19) VCF-style: chr17-65890219-G-A.
Other names: c.2859G>A, p.Leu953= (NM_004459.7).
Identifiers: ClinVar variation 2691388 (VCV002691388.1), dbSNP rs751538531, ClinGen allele CA501498251.